The following is an entry in ClinVar:

NM_001868.4(CPA1):c.1015G>A (p.Ala339Thr)

Gene: CPA1 (carboxypeptidase A1; plus strand). Cytogenetic location: 7q32.2.
Variant type: single nucleotide variant.
Coding change: c.1015G>A on transcript NM_001868.4 (MANE Select); coding-DNA position 1015, G replaced by A.
Protein change: p.Ala339Thr; replaces alanine 339 with threonine.
Molecular consequence: missense variant.
Genome position (GRCh38, 1-based): chr7:130,385,866, G>A. VCF-style: chr7-130385866-G-A. GRCh37 (hg19) VCF-style: chr7-130025707-G-A.
Other names: short protein forms A339T.
Identifiers: ClinVar variation 4559613 (VCV004559613.1).
Genomic context (GRCh38, chr7:130,385,866, plus strand): 5'-ATGACAGGTGGCTTTGCTTGGTGTTTTGTCCAGGATCAGCTTTCCAAGGCTGCTGTGACA[G>A]CCCTGGCCTCTCTCTACGGGACCAAGTTCAACTATGGCAGCATCATCAAGGCAATTTGTA-3'
Protein context (NP_001859.1, residues 329-349): LDQLSKAAVT[Ala339Thr]LASLYGTKFN

ClinVar aggregate classification (germline): Uncertain significance (1 of 4 stars; one submission).

Conditions:
Hereditary pancreatitis (PCTT). Also called: Hereditary chronic pancreatitis; PRSS1-Related Hereditary Pancreatitis. Identifiers: Orphanet 676, MedGen C0238339, MONDO:0008185, OMIM 167800.

Submission:

Ambry Genetics
Classification: Uncertain significance for Hereditary pancreatitis. Last evaluated: 2025-10-25. Review status: criteria provided, single submitter. Criteria: Ambry Variant Classification Scheme 2023. Collection method: clinical testing. Allele origin: germline.
Comment: The p.A339T variant (also known as c.1015G>A), located in coding exon 9 of the CPA1 gene, results from a G to A substitution at nucleotide position 1015. The alanine at codon 339 is replaced by threonine, an amino acid with similar properties. This amino acid position is conserved. In addition, this alteration is predicted to be tolerated by in silico analysis. Based on the available evidence, the clinical significance of this variant remains unclear.